The following is an entry in ClinVar:

NM_001458.5(FLNC):c.1618G>T (p.Val540Leu)

Gene: FLNC (filamin C; plus strand). Cytogenetic location: 7q32.1.
Variant type: single nucleotide variant.
Coding change: c.1618G>T on transcript NM_001458.5 (MANE Select); coding-DNA position 1618, G replaced by T.
Protein change: p.Val540Leu; replaces valine 540 with leucine.
Molecular consequence: missense variant.
Genome position (GRCh38, 1-based): chr7:128,840,616, G>T. VCF-style: chr7-128840616-G-T. GRCh37 (hg19) VCF-style: chr7-128480670-G-T.
Other names: c.1618G>T, p.Val540Leu (NM_001127487.2); c.1618G>T (NM_001458.4); short protein forms V540L.
Identifiers: ClinVar variation 1060731 (VCV001060731.11), dbSNP rs551472827, ClinGen allele CA369226657.
Genomic context (GRCh38, chr7:128,840,616, plus strand): 5'-GAGGAGCCAGTGAAGGTGCGGGAGGCTGGGGATGGTGTGTTCGAGTGCGAGTACTACCCG[G>T]TGGTGCCTGGGAAGTATGTGGTGACCATCACGTGGGGCGGCTACGCCATCCCTCGCAGGT-3'
Protein context (NP_001449.3, residues 530-550): DGVFECEYYP[Val540Leu]VPGKYVVTIT

ClinVar aggregate classification (germline): Uncertain significance. Review status: criteria provided, multiple submitters, no conflicts (2 of 4 stars). 3 submissions from 3 submitters: Uncertain significance (3). Last evaluated 2025-04-09.

Conditions:
Distal myopathy with posterior leg and anterior hand involvement. Also called: WILLIAMS DISTAL MYOPATHY. Identifiers: Orphanet 63273, MedGen C3279722, MONDO:0013550, OMIM 614065.
Hypertrophic cardiomyopathy 26. Also called: Cardiomyopathy, familial hypertrophic, 26. Identifiers: Orphanet 75249, MedGen C4310749, MONDO:0014883, OMIM 617047.
Myofibrillar myopathy 5. Also called: Filaminopathy (type); FILAMINOPATHY, AUTOSOMAL DOMINANT. Identifiers: Orphanet 171445, MedGen C1836050, MONDO:0012289, OMIM 609524.
Cardiovascular phenotype. Identifiers: MedGen CN230736.

gnomAD v4.1: 6 of 1,614,248 alleles (0.00037%); highest among the groups gnomAD compares: Non-Finnish European, 0.00051%; no homozygotes.

Submissions (3):

Molecular Diagnostic Laboratory for Inherited Cardiovascular Disease, Montreal Heart Institute
Classification: Uncertain significance for Cardiovascular phenotype. Last evaluated: 2025-04-09. Review status: criteria provided, single submitter. Criteria: ACMG Guidelines, 2015. Collection method: clinical testing. Allele origin: germline. Affected: yes.
Comment: PM2;BP4

Blueprint Genetics
Classification: Uncertain significance. Last evaluated: 2024-03-05. Review status: criteria provided, single submitter. Criteria: ACMG Guidelines, 2015. Collection method: clinical testing. Allele origin: germline.

Labcorp Genetics (formerly Invitae), Labcorp
Classification: Uncertain significance for Distal myopathy with posterior leg and anterior hand involvement; Myofibrillar myopathy 5; Hypertrophic cardiomyopathy 26. Last evaluated: 2024-02-05. Review status: criteria provided, single submitter. Criteria: Invitae Variant Classification Sherloc (09022015). Collection method: clinical testing. Allele origin: germline.
Comment: This sequence change replaces valine, which is neutral and non-polar, with leucine, which is neutral and non-polar, at codon 540 of the FLNC protein (p.Val540Leu). This variant is not present in population databases (gnomAD no frequency). This variant has not been reported in the literature in individuals affected with FLNC-related conditions. ClinVar contains an entry for this variant (Variation ID: 1060731). Advanced modeling of protein sequence and biophysical properties (such as structural, functional, and spatial information, amino acid conservation, physicochemical variation, residue mobility, and thermodynamic stability) has been performed at Invitae for this missense variant, however the output from this modeling did not meet the statistical confidence thresholds required to predict the impact of this variant on FLNC protein function. In summary, the available evidence is currently insufficient to determine the role of this variant in disease. Therefore, it has been classified as a Variant of Uncertain Significance.